The following is an entry in ClinVar:

ClinVar aggregate classification (germline): Likely benign. Review status: criteria provided, multiple submitters, no conflicts (2 of 4 stars). 2 submissions from 2 submitters: Likely benign (2). Last evaluated 2018-06-17.

Allele frequency attached by ClinVar (database versions not stated): 1000 Genomes Project 30x 0.01093; 1000 Genomes Project 0.01218; TOPMed 0.01537; gnomAD 0.01635 and 0.01684; gnomAD exomes 0.02375.
gnomAD v4.1: 29,251 of 1,278,190 alleles (2.3%); highest among the groups gnomAD compares: South Asian, 3.7%; 398 homozygotes.

Submissions (2):

GeneDx
Classification: Likely benign. Last evaluated: 2018-06-17. Review status: criteria provided, single submitter. Criteria: GeneDx Variant Classification (06012015). Collection method: clinical testing. Allele origin: germline. Affected: yes.
Comment: This variant is considered likely benign or benign based on one or more of the following criteria: it is a conservative change, it occurs at a poorly conserved position in the protein, it is predicted to be benign by multiple in silico algorithms, and/or has population frequency not consistent with disease.

Breakthrough Genomics
Classification: Likely benign. Review status: criteria provided, single submitter. Criteria: ACMG Guidelines, 2015. Collection method: not provided. Allele origin: germline. Inheritance: Autosomal dominant inheritance. Affected: yes.

NM_177438.3(DICER1):c.5603+87T>C

Gene: DICER1 (dicer 1, ribonuclease III; minus strand). Cytogenetic location: 14q32.13.
Variant type: single nucleotide variant.
Coding change: c.5603+87T>C on transcript NM_177438.3 (MANE Select); 87 bases into the intron after coding-DNA position 5603, T replaced by C.
Molecular consequence: intron variant.
Genome position (GRCh38, 1-based): chr14:95,090,947, A>G on the plus strand (T>C on the coding strand, the complement: DICER1 is on the minus strand). VCF-style: chr14-95090947-A-G. GRCh37 (hg19) VCF-style: chr14-95557284-A-G.
Other names: c.5603+87T>C (NM_001291628.2, NM_030621.4, NM_001271282.3); c.5440+87T>C (NM_001195573.1).
Identifiers: ClinVar variation 676970 (VCV000676970.2), dbSNP rs145140220, ClinGen allele CA265894876.
Genomic context (GRCh38, chr14:95,090,947, plus strand): 5'-AAGTCAATCAGATTACAAACAGAAATCTGACAACAGCACACCACAGTGTAAATATTTTTC[A>G]GAATCATTAGTTTACAATATCTTTGTGAACTTTTCCCCTTTGATGTTTTTAAGTTAATGT-3'